The following is an entry in ClinVar:

ClinVar aggregate classification (germline): Uncertain significance (1 of 4 stars; one submission).

Conditions:
Temtamy syndrome (TEMTYS). Also called: MENTAL RETARDATION WITH OR WITHOUT CRANIOFACIAL DYSMORPHISM, OCULAR COLOBOMA, OR ABNORMAL CORPUS CALLOSUM. Identifiers: Orphanet 1777, MedGen C1857512, MONDO:0009033, OMIM 218340.

Allele frequency attached by ClinVar (database versions not stated): gnomAD exomes below 0.00001; gnomAD 0.00001; TOPMed 0.00002.
gnomAD v4.1: 3 of 1,614,074 alleles (0.00019%); highest among the groups gnomAD compares: African/African-American, 0.0027%; no homozygotes.

Submission:

Labcorp Genetics (formerly Invitae), Labcorp
Classification: Uncertain significance for Temtamy syndrome. Last evaluated: 2022-01-11. Review status: criteria provided, single submitter. Criteria: Invitae Variant Classification Sherloc (09022015). Collection method: clinical testing. Allele origin: germline.
Comment: This sequence change falls in intron 1 of the C12orf57 gene. It does not directly change the encoded amino acid sequence of the C12orf57 protein. It affects a nucleotide within the consensus splice site. This variant is not present in population databases (gnomAD no frequency). This variant has not been reported in the literature in individuals affected with C12orf57-related conditions. Variants that disrupt the consensus splice site are a relatively common cause of aberrant splicing (PMID: 17576681, 9536098). Algorithms developed to predict the effect of sequence changes on RNA splicing suggest that this variant is not likely to affect RNA splicing. In summary, the available evidence is currently insufficient to determine the role of this variant in disease. Therefore, it has been classified as a Variant of Uncertain Significance.

Literature cited by the submitters: PubMed 17576681; PubMed 9536098.

NM_138425.4(C12orf57):c.52+3G>A

Gene: C12orf57 (chromosome 12 open reading frame 57; plus strand). Cytogenetic location: 12p13.31.
Variant type: single nucleotide variant.
Coding change: c.52+3G>A on transcript NM_138425.4 (MANE Select); 3 bases into the intron after coding-DNA position 52, G replaced by A.
Molecular consequence: intron variant.
Genome position (GRCh38, 1-based): chr12:6,944,176, G>A. VCF-style: chr12-6944176-G-A. GRCh37 (hg19) VCF-style: chr12-7053339-G-A.
Other names: c.14-300G>A (NM_001301836.2); c.52+3G>A (NM_001301834.1, NM_001301837.2); c.-150+3G>A (NM_001301838.2).
Identifiers: ClinVar variation 1981417 (VCV001981417.1), dbSNP rs1449296027, ClinGen allele CA478175950.